The following is an entry in ClinVar:

NM_001039591.3(USP9X):c.2888C>A (p.Ala963Asp)

Gene: USP9X (ubiquitin specific peptidase 9 X-linked; plus strand). Cytogenetic location: Xp11.4.
Variant type: single nucleotide variant.
Coding change: c.2888C>A on transcript NM_001039591.3 (MANE Select); coding-DNA position 2888, C replaced by A.
Protein change: p.Ala963Asp; replaces alanine 963 with aspartic acid.
Molecular consequence: missense variant.
Genome position (GRCh38, 1-based): chrX:41,170,480, C>A. VCF-style: chrX-41170480-C-A. GRCh37 (hg19) VCF-style: chrX-41029733-C-A.
Other names: c.2888C>A, p.Ala963Asp (NM_001039590.3); short protein forms A963D.
Identifiers: ClinVar variation 1028975 (VCV001028975.1), dbSNP rs2062716219, ClinGen allele CA412759101.

ClinVar aggregate classification (germline): Uncertain significance (1 of 4 stars; one submission).

Conditions:
Intellectual developmental disorder, X-linked 99. Also called: Intellectual disability, X-linked 99. Identifiers: Orphanet 777, MedGen C3806746, MONDO:0010487, OMIM 300919.

Submission:

Baylor Genetics
Classification: Uncertain significance for Intellectual developmental disorder, X-linked 99. Last evaluated: 2019-09-13. Review status: criteria provided, single submitter. Criteria: ACMG Guidelines, 2015. Collection method: clinical testing. Allele origin: unknown. Affected: yes.
Comment: This variant was determined to be of uncertain significance according to ACMG Guidelines, 2015 [PMID:25741868].